The following is an entry in ClinVar:

NM_001242896.3(DEPDC5):c.3400A>G (p.Met1134Val)

Gene: DEPDC5 (DEP domain containing 5, GATOR1 subcomplex subunit; plus strand). Cytogenetic location: 22q12.3.
Variant type: single nucleotide variant.
Coding change: c.3400A>G on transcript NM_001242896.3 (MANE Select); coding-DNA position 3400, A replaced by G.
Protein change: p.Met1134Val; replaces methionine 1134 with valine.
Molecular consequence: missense variant. On other transcripts: non-coding transcript variant (5).
Genome position (GRCh38, 1-based): chr22:31,870,659, A>G. VCF-style: chr22-31870659-A-G. GRCh37 (hg19) VCF-style: chr22-32266645-A-G.
Other names: c.3373A>G, p.Met1125Val (NM_001136029.4); c.3100A>G, p.Met1034Val (NM_001242897.2); c.3334A>G, p.Met1112Val (NM_001363852.2, NM_001364320.2); c.3166A>G, p.Met1056Val (NM_001363854.2, NM_001364319.2); c.3400A>G, p.Met1134Val (NM_001364318.2); c.3316A>G, p.Met1106Val (NM_001369901.1, NM_001369902.1); c.3307A>G, p.Met1103Val (NM_001369903.1, NM_014662.6); short protein forms M1056V, M1125V, M1134V, M1034V, M1106V, M1112V, M1103V.
Identifiers: ClinVar variation 2873160 (VCV002873160.3), dbSNP rs2522185075, ClinGen allele CA411296624.

ClinVar aggregate classification (germline): Uncertain significance (1 of 4 stars; one submission).

Conditions:
Familial focal epilepsy with variable foci (FPEVF). Identifiers: Orphanet 98820, MedGen C1858477, MONDO:0020310.

Submission:

Labcorp Genetics (formerly Invitae), Labcorp
Classification: Uncertain significance for Familial focal epilepsy with variable foci. Last evaluated: 2023-12-14. Review status: criteria provided, single submitter. Criteria: Invitae Variant Classification Sherloc (09022015). Collection method: clinical testing. Allele origin: germline.
Comment: This sequence change replaces methionine, which is neutral and non-polar, with valine, which is neutral and non-polar, at codon 1134 of the DEPDC5 protein (p.Met1134Val). This variant is not present in population databases (gnomAD no frequency). This variant has not been reported in the literature in individuals affected with DEPDC5-related conditions. Algorithms developed to predict the effect of missense changes on protein structure and function output the following: SIFT: "Not Available"; PolyPhen-2: "Not Available"; Align-GVGD: "Not Available". The valine amino acid residue is found in multiple mammalian species, which suggests that this missense change does not adversely affect protein function. In summary, the available evidence is currently insufficient to determine the role of this variant in disease. Therefore, it has been classified as a Variant of Uncertain Significance.